The following is an entry in ClinVar:

ClinVar aggregate classification (germline): Uncertain significance (1 of 4 stars; one submission).

Conditions:
Immunodeficiency. Identifiers: MedGen C0021051, MONDO:0021094, HP:0002721.

Submission:

Labcorp Genetics (formerly Invitae), Labcorp
Classification: Uncertain significance for Immunodeficiency. Last evaluated: 2023-07-10. Review status: criteria provided, single submitter. Criteria: Invitae Variant Classification Sherloc (09022015). Collection method: clinical testing. Allele origin: germline.
Comment: An algorithm developed to predict the effect of missense changes on protein structure and function (PolyPhen-2) suggests that this variant is likely to be tolerated. In summary, the available evidence is currently insufficient to determine the role of this variant in disease. Therefore, it has been classified as a Variant of Uncertain Significance. This variant has not been reported in the literature in individuals affected with NFAT5-related conditions. This variant is not present in population databases (gnomAD no frequency). This sequence change replaces glutamine, which is neutral and polar, with lysine, which is basic and polar, at codon 1102 of the NFAT5 protein (p.Gln1102Lys).

NM_138713.4(NFAT5):c.3586C>A (p.Gln1196Lys)

Gene: NFAT5 (nuclear factor of activated T cells 5; plus strand). Cytogenetic location: 16q22.1.
Variant type: single nucleotide variant.
Coding change: c.3586C>A on transcript NM_138713.4 (MANE Select); coding-DNA position 3586, C replaced by A.
Protein change: p.Gln1196Lys; replaces glutamine 1196 with lysine.
Molecular consequence: missense variant.
Genome position (GRCh38, 1-based): chr16:69,693,411, C>A. VCF-style: chr16-69693411-C-A. GRCh37 (hg19) VCF-style: chr16-69727314-C-A.
Other names: c.3583C>A, p.Gln1195Lys (NM_001113178.3); c.2911C>A, p.Gln971Lys (NM_001367709.1); c.3532C>A, p.Gln1178Lys (NM_006599.4); c.3304C>A, p.Gln1102Lys (NM_138714.4, NM_173214.3, NM_173215.3); short protein forms Q1178K, Q1196K, Q971K, Q1102K, Q1195K.
Identifiers: ClinVar variation 2830827 (VCV002830827.3), dbSNP rs2544247373, ClinGen allele CA396513333.